The following is an entry in ClinVar:

NM_001377.3(DYNC2H1):c.12439C>T (p.Arg4147Cys)

Gene: DYNC2H1 (dynein cytoplasmic 2 heavy chain 1; plus strand). Cytogenetic location: 11q22.3.
Variant type: single nucleotide variant.
Coding change: c.12439C>T on transcript NM_001377.3 (MANE Select); coding-DNA position 12439, C replaced by T.
Protein change: p.Arg4147Cys; replaces arginine 4147 with cysteine.
Molecular consequence: missense variant.
Genome position (GRCh38, 1-based): chr11:103,436,015, C>T. VCF-style: chr11-103436015-C-T. GRCh37 (hg19) VCF-style: chr11-103306743-C-T.
Other names: c.12460C>T, p.Arg4154Cys (NM_001080463.2); short protein forms R4154C, R4147C.
Identifiers: ClinVar variation 387691 (VCV000387691.16), dbSNP rs755441612, ClinGen allele CA6255552.

ClinVar aggregate classification (germline): Conflicting classifications of pathogenicity. Review status: criteria provided, conflicting classifications (1 of 4 stars). 7 submissions from 7 submitters: Pathogenic (1); Likely pathogenic (1); Uncertain significance (3). 2 of the submissions do not count toward it. Last evaluated 2024-05-18.

Conditions:
Jeune thoracic dystrophy. Also called: Jeune syndrome; Infantile thoracic dystrophy; Thoracic pelvic phalangeal dystrophy; Jeune's syndrome; Chondroectodermal dysplasia-like syndrome; Short-rib thoracic dysplasia. Identifiers: Orphanet 474, MedGen C0265275, MONDO:0018770.
Asphyxiating thoracic dystrophy 3. Also called: Short rib polydactyly syndrome 2B; SHORT-RIB THORACIC DYSPLASIA 3 WITH OR WITHOUT POLYDACTYLY; POLYDACTYLY WITH NEONATAL CHONDRODYSTROPHY, TYPE I; SHORT-RIB THORACIC DYSPLASIA 3/6 WITH POLYDACTYLY, DIGENIC; Saldino-Noonan Syndrome. Identifiers: Orphanet 474, Orphanet 93269, Orphanet 93270, Orphanet 93271, MedGen C0036069, MONDO:0013127, OMIM 613091.

Allele frequency attached by ClinVar (database versions not stated): ExAC 0.00001; gnomAD exomes 0.00001 and 0.00002; gnomAD 0.00003; TOPMed 0.00003.
gnomAD v4.1: 21 of 1,612,146 alleles (0.0013%); highest among the groups gnomAD compares: Admixed American, 0.005%; no homozygotes.

Submissions (7):

Fulgent Genetics
Classification: Likely pathogenic for Asphyxiating thoracic dystrophy 3. Last evaluated: 2024-05-18. Review status: criteria provided, single submitter. Criteria: ACMG Guidelines, 2015. Collection method: clinical testing. Allele origin: germline.

Labcorp Genetics (formerly Invitae), Labcorp
Classification: Pathogenic for Jeune thoracic dystrophy. Last evaluated: 2023-06-16. Review status: criteria provided, single submitter. Criteria: Invitae Variant Classification Sherloc (09022015). Collection method: clinical testing. Allele origin: germline.
Comment: This sequence change replaces arginine, which is basic and polar, with cysteine, which is neutral and slightly polar, at codon 4154 of the DYNC2H1 protein (p.Arg4154Cys). This variant is present in population databases (rs755441612, gnomAD 0.006%). This missense change has been observed in individual(s) with short-rib polydactyly syndrome, type III (PMID: 29068549). In at least one individual the data is consistent with being in trans (on the opposite chromosome) from a pathogenic variant. ClinVar contains an entry for this variant (Variation ID: 387691). Advanced modeling of protein sequence and biophysical properties (such as structural, functional, and spatial information, amino acid conservation, physicochemical variation, residue mobility, and thermodynamic stability) performed at Invitae indicates that this missense variant is expected to disrupt DYNC2H1 protein function. For these reasons, this variant has been classified as Pathogenic.

Women's Health and Genetics/Laboratory Corporation of America, LabCorp
Classification: Uncertain significance. Last evaluated: 2022-10-04. Review status: criteria provided, single submitter. Criteria: LabCorp Variant Classification Summary - May 2015. Collection method: clinical testing. Allele origin: germline.
Comment: Variant summary: DYNC2H1 c.12460C>T (p.Arg4154Cys) results in a non-conservative amino acid change located in the C-terminal domain (IPR041228) of the encoded protein sequence. Four of five in-silico tools predict a damaging effect of the variant on protein function. The variant allele was found at a frequency of 1.6e-05 in 248372 control chromosomes (gnomAD). The available data on variant occurrences in the general population are insufficient to allow any conclusion about variant significance. c.12460C>T has been reported in the literature in one individual affected with short-rib polydactyly syndrome, type 3, where it was reported as a heterozygous occurrence together with a second variant (Zhang_2018). These data do not allow any definitive conclusions about variant significance. To our knowledge, no experimental evidence demonstrating an impact on protein function has been reported. Three submitters have provided assessments for this variant to ClinVar after 2014. Two classified the variant as VUS and one as pathogenic. Based on the evidence outlined above, the variant was classified as uncertain significance.

Blueprint Genetics
Classification: Uncertain significance. Last evaluated: 2022-09-13. Review status: criteria provided, single submitter. Criteria: ACMG Guidelines, 2015. Collection method: clinical testing. Allele origin: germline.

GeneDx
Classification: Uncertain significance. Last evaluated: 2021-06-01. Review status: criteria provided, single submitter. Criteria: GeneDx Variant Classification Process June 2021. Collection method: clinical testing. Allele origin: germline. Affected: yes.
Comment: Not observed at significant frequency in large population cohorts (Lek et al., 2016); In silico analysis supports that this missense variant has a deleterious effect on protein structure/function; Observed with another DYNC2H1 variant, phase unknown, in an individual with short-rib polydactyly syndrome III (Zhang W et al. 2018); This variant is associated with the following publications: (PMID: 27535533, 29068549)

Dan Cohn Lab, University Of California Los Angeles
Classification: Pathogenic for Asphyxiating thoracic dystrophy 3. Last evaluated: 2017-06-01. Review status: no assertion criteria provided. Collection method: research. Allele origin: unknown. Affected: yes. Not counted in ClinVar's aggregate classification.

University of Washington Center for Mendelian Genomics, University of Washington
Classification: Likely pathogenic for Asphyxiating thoracic dystrophy 3. Review status: no assertion criteria provided. Collection method: research. Allele origin: inherited. Affected: yes. Not counted in ClinVar's aggregate classification.

Literature cited by the submitters: PubMed 29068549 (cited by 4 submitters).